The following is an entry in ClinVar:

NM_025114.4(CEP290):c.3418G>T (p.Glu1140Ter)

Gene: CEP290 (centrosomal protein 290; minus strand). Cytogenetic location: 12q21.32.
Variant type: single nucleotide variant.
Coding change: c.3418G>T on transcript NM_025114.4 (MANE Select); coding-DNA position 3418, G replaced by T.
Protein change: p.Glu1140Ter; replaces glutamic acid 1140 with a stop codon.
Molecular consequence: nonsense.
Genome position (GRCh38, 1-based): chr12:88,092,724, C>A on the plus strand (G>T on the coding strand, the complement: CEP290 is on the minus strand). VCF-style: chr12-88092724-C-A. GRCh37 (hg19) VCF-style: chr12-88486501-C-A.
Other names: short protein forms E1140*.
Identifiers: ClinVar variation 2680614 (VCV002680614.4), dbSNP rs766095901, ClinGen allele CA386004066.

ClinVar aggregate classification (germline): Pathogenic. Review status: criteria provided, multiple submitters, no conflicts (2 of 4 stars). 3 submissions from 3 submitters: Pathogenic (3). Last evaluated 2026-08-07.

Conditions:
CEP290-related ciliopathy. Also called: CEP290 ciliopathy. Identifiers: MedGen CN305601, MONDO:0100451.
Bardet-Biedl syndrome 14 (BBS14). Identifiers: Orphanet 110, MedGen C2673874, MONDO:0014442, OMIM 615991.
Meckel-Gruber syndrome. Also called: Dysencephalia splachnocystica; DYSENCEPHALIA SPLANCHNOCYSTICA; GRUBER SYNDROME. Identifiers: Orphanet 564, MedGen C0265215, MONDO:0018921.
Joubert syndrome. Also called: JOUBERT-BOLTSHAUSER SYNDROME; Familial aplasia of the vermis. Identifiers: Orphanet 475, MedGen C5979921, MONDO:0018772.
Nephronophthisis. Also called: Juvenile Nephronophthisis. Identifiers: Orphanet 655, MedGen C0687120, MONDO:0019005, HP:0000090.

Submissions (3):

Myriad Genetics, Inc.
Classification: Pathogenic for CEP290-related ciliopathy. Last evaluated: 2026-08-07. Review status: criteria provided, single submitter. Criteria: Myriad Autosomal Dominant, Autosomal Recessive and X-Linked Classification Criteria (2023). Collection method: clinical testing. Allele origin: unknown.
Comment: NM_025114.3(CEP290):c.3418G>T(E1140*) is expected to be pathogenic in the context of CEP290-related disorders. This variant is predicted to lead to an abnormal or absent protein product due to the creation of a premature termination codon in CEP290, a gene where loss-of-function variants are known to be pathogenic. Please note: this variant was assessed in the context of healthy population screening.

Labcorp Genetics (formerly Invitae), Labcorp
Classification: Pathogenic for Joubert syndrome; Meckel-Gruber syndrome; Nephronophthisis. Last evaluated: 2024-05-26. Review status: criteria provided, single submitter. Criteria: Invitae Variant Classification Sherloc (09022015). Collection method: clinical testing. Allele origin: germline.
Comment: This sequence change creates a premature translational stop signal (p.Glu1140*) in the CEP290 gene. It is expected to result in an absent or disrupted protein product. Loss-of-function variants in CEP290 are known to be pathogenic (PMID: 16909394, 17345604, 20690115). This variant is not present in population databases (gnomAD no frequency). This variant has not been reported in the literature in individuals affected with CEP290-related conditions. For these reasons, this variant has been classified as Pathogenic.

Baylor Genetics
Classification: Pathogenic for Bardet-Biedl syndrome 14. Last evaluated: 2023-05-23. Review status: criteria provided, single submitter. Criteria: ACMG Guidelines, 2015. Collection method: clinical testing. Allele origin: unknown.

Literature cited by the submitters: PubMed 16909394 (cited by Labcorp Genetics (formerly Invitae), Labcorp); PubMed 17345604 (cited by Labcorp Genetics (formerly Invitae), Labcorp); PubMed 20690115 (cited by Labcorp Genetics (formerly Invitae), Labcorp).